The following is an entry in ClinVar:

NC_000012.11:g.(?_14832571)_(14839179_?)del

Gene: GUCY2C (guanylate cyclase 2C; minus strand). Cytogenetic location: 12p12.3.
Variant type: Deletion.
Identifiers: ClinVar variation 1411303 (VCV001411303.6).

ClinVar aggregate classification (germline): Uncertain significance (1 of 4 stars; one submission).

Submission:

Labcorp Genetics (formerly Invitae), Labcorp
Classification: Uncertain significance. Last evaluated: 2021-05-19. Review status: criteria provided, single submitter. Criteria: Invitae Variant Classification Sherloc (09022015). Collection method: clinical testing. Allele origin: germline.
Comment: In summary, the available evidence is currently insufficient to determine the role of this variant in disease. Therefore, it has been classified as a Variant of Uncertain Significance. This variant has not been reported in the literature in individuals with GUCY2C-related conditions. This variant is a gross deletion of the genomic region encompassing exon(s) 3-6 of the GUCY2C gene. This deletion is out-of-frame, and is expected to create a premature translational stop signal and result in an absent or disrupted protein product. However, the current clinical and genetic evidence is not sufficient to establish whether loss-of-function variants in GUCY2C cause disease.